The following is an entry in ClinVar:

NM_004304.5(ALK):c.2973G>C (p.Glu991Asp)

Gene: ALK (ALK receptor tyrosine kinase; minus strand). Cytogenetic location: 2p23.2.
Variant type: single nucleotide variant.
Coding change: c.2973G>C on transcript NM_004304.5 (MANE Select); coding-DNA position 2973, G replaced by C.
Protein change: p.Glu991Asp; replaces glutamic acid 991 with aspartic acid.
Molecular consequence: missense variant.
Genome position (GRCh38, 1-based): chr2:29,227,016, C>G on the plus strand (G>C on the coding strand, the complement: ALK is on the minus strand). VCF-style: chr2-29227016-C-G. GRCh37 (hg19) VCF-style: chr2-29449882-C-G.
Other names: short protein forms E991D.
Identifiers: ClinVar variation 4843242 (VCV004843242.1).

ClinVar aggregate classification (germline): Uncertain significance (1 of 4 stars; one submission).

Conditions:
Hereditary cancer-predisposing syndrome. Also called: Neoplastic Syndromes, Hereditary; Tumor predisposition; Hereditary Cancer Syndrome; Hereditary neoplastic syndrome. Identifiers: Orphanet 140162, MedGen C0027672, MeSH D009386, MONDO:0015356.

gnomAD v4.1: 1 of 1,614,188 alleles (0.000062%); no homozygotes.

Submission:

Ambry Genetics
Classification: Uncertain significance for Hereditary cancer-predisposing syndrome. Last evaluated: 2025-12-20. Review status: criteria provided, single submitter. Criteria: Ambry Variant Classification Scheme 2023. Collection method: clinical testing. Allele origin: germline.
Comment: The p.E991D variant (also known as c.2973G>C), located in coding exon 18 of the ALK gene, results from a G to C substitution at nucleotide position 2973. The glutamic acid at codon 991 is replaced by aspartic acid, an amino acid with highly similar properties. This amino acid position is conserved. In addition, this alteration is predicted to be tolerated by in silico analysis. Based on the available evidence, the clinical significance of this variant remains unclear.